The following is an entry in ClinVar:

NM_025114.4(CEP290):c.7127del (p.Pro2376fs)

Gene: CEP290 (centrosomal protein 290; minus strand). Cytogenetic location: 12q21.32.
Variant type: Deletion.
Coding change: c.7127del on transcript NM_025114.4 (MANE Select); coding-DNA position 7127, one base deleted (C; older notation c.7127delC).
Protein change: p.Pro2376fs; shifts the reading frame from proline 2376.
Molecular consequence: frameshift variant.
Genome position (GRCh38, 1-based): chr12:88,053,654, G deleted on the plus strand (C on the coding strand, the reverse complement: CEP290 is on the minus strand); the first of 2 consecutive G bases (chr12:88,053,654-88,053,655); deleting either gives the same sequence. VCF-style (leftmost placement, unchanged base first): chr12-88053653-AG-A. GRCh37 (hg19) VCF-style: chr12-88447430-AG-A.
Other names: short protein forms P2376fs.
Identifiers: ClinVar variation 2948975 (VCV002948975.4), dbSNP rs2499426087, ClinGen allele CA2740092436.

ClinVar aggregate classification (germline): Pathogenic. Review status: criteria provided, multiple submitters, no conflicts (2 of 4 stars). 2 submissions from 2 submitters: Pathogenic (2). Last evaluated 2025-12-26.

Conditions:
CEP290-related ciliopathy. Also called: CEP290 ciliopathy. Identifiers: MedGen CN305601, MONDO:0100451.
Meckel-Gruber syndrome. Also called: Dysencephalia splachnocystica; DYSENCEPHALIA SPLANCHNOCYSTICA; GRUBER SYNDROME. Identifiers: Orphanet 564, MedGen C0265215, MONDO:0018921.
Joubert syndrome. Also called: Familial aplasia of the vermis; JOUBERT-BOLTSHAUSER SYNDROME. Identifiers: Orphanet 475, MedGen C5979921, MONDO:0018772.
Nephronophthisis. Also called: Juvenile Nephronophthisis. Identifiers: Orphanet 655, MedGen C0687120, MONDO:0019005, HP:0000090.

Submissions (2):

Myriad Genetics, Inc.
Classification: Pathogenic for CEP290-related ciliopathy. Last evaluated: 2025-12-26. Review status: criteria provided, single submitter. Criteria: Myriad Autosomal Dominant, Autosomal Recessive and X-Linked Classification Criteria (2023). Collection method: clinical testing. Allele origin: unknown.
Comment: NM_025114.3(CEP290):c.7127delC(P2376Lfs*6) is a frameshift variant classified as pathogenic in the context of CEP290-related disorders. P2376Lfs*6 has not been observed in cases with relevant disease. Relevant functional assessments of this variant are not available in the literature. P2376Lfs*6 has not been observed in referenced population frequency databases. In summary, NM_025114.3(CEP290):c.7127delC(P2376Lfs*6) is a frameshift variant in a gene where loss of function is a known mechanism of disease and is predicted to disrupt protein function. Please note: this variant was assessed in the context of healthy population screening.

Labcorp Genetics (formerly Invitae), Labcorp
Classification: Pathogenic for Joubert syndrome; Meckel-Gruber syndrome; Nephronophthisis. Last evaluated: 2023-06-17. Review status: criteria provided, single submitter. Criteria: Invitae Variant Classification Sherloc (09022015). Collection method: clinical testing. Allele origin: germline.
Comment: This sequence change creates a premature translational stop signal (p.Pro2376Leufs*6) in the CEP290 gene. It is expected to result in an absent or disrupted protein product. Loss-of-function variants in CEP290 are known to be pathogenic (PMID: 16909394, 17345604, 20690115). This variant is not present in population databases (gnomAD no frequency). This variant has not been reported in the literature in individuals affected with CEP290-related conditions. For these reasons, this variant has been classified as Pathogenic.

Literature cited by the submitters: PubMed 16909394 (cited by Labcorp Genetics (formerly Invitae), Labcorp); PubMed 17345604 (cited by Labcorp Genetics (formerly Invitae), Labcorp); PubMed 20690115 (cited by Labcorp Genetics (formerly Invitae), Labcorp).